The following is an entry in ClinVar:

NM_001909.5(CTSD):c.472-27G>T

Gene: CTSD (cathepsin D; minus strand). Cytogenetic location: 11p15.5.
Variant type: single nucleotide variant.
Coding change: c.472-27G>T on transcript NM_001909.5 (MANE Select); 27 bases into the intron before coding-DNA position 472, G replaced by T.
Molecular consequence: intron variant.
Genome position (GRCh38, 1-based): chr11:1,757,583, C>A on the plus strand (G>T on the coding strand, the complement: CTSD is on the minus strand). VCF-style: chr11-1757583-C-A. GRCh37 (hg19) VCF-style: chr11-1778813-C-A.
Identifiers: ClinVar variation 673530 (VCV000673530.2), dbSNP rs146434428, ClinGen allele CA5814161.

ClinVar aggregate classification (germline): Likely benign. Review status: criteria provided, multiple submitters, no conflicts (2 of 4 stars). 2 submissions from 2 submitters: Likely benign (2). Last evaluated 2018-06-14.

Allele frequency attached by ClinVar (database versions not stated): gnomAD exomes 0.00064 and 0.00183; ExAC 0.00294; 1000 Genomes Project 0.00639; 1000 Genomes Project 30x 0.00687; gnomAD 0.00742 and 0.00795; ESP Exome Variant Server 0.00754; TOPMed 0.00784.
gnomAD v4.1: 2,071 of 1,573,994 alleles (0.13%); highest among the groups gnomAD compares: African/African-American, 2.5%; 23 homozygotes.

Submissions (2):

GeneDx
Classification: Likely benign. Last evaluated: 2018-06-14. Review status: criteria provided, single submitter. Criteria: GeneDx Variant Classification (06012015). Collection method: clinical testing. Allele origin: germline. Affected: yes.
Comment: This variant is considered likely benign or benign based on one or more of the following criteria: it is a conservative change, it occurs at a poorly conserved position in the protein, it is predicted to be benign by multiple in silico algorithms, and/or has population frequency not consistent with disease.

Breakthrough Genomics
Classification: Likely benign. Review status: criteria provided, single submitter. Criteria: ACMG Guidelines, 2015. Collection method: not provided. Allele origin: germline. Inheritance: Autosomal recessive inheritance. Affected: yes.